The following is an entry in ClinVar:

NM_001232.4(CASQ2):c.235-3C>T

Gene: CASQ2 (calsequestrin 2; minus strand). Cytogenetic location: 1p13.1.
Variant type: single nucleotide variant.
Coding change: c.235-3C>T on transcript NM_001232.4 (MANE Select); 3 bases into the intron before coding-DNA position 235, C replaced by T.
Molecular consequence: intron variant.
Genome position (GRCh38, 1-based): chr1:115,744,915, G>A on the plus strand (C>T on the coding strand, the complement: CASQ2 is on the minus strand). VCF-style: chr1-115744915-G-A. GRCh37 (hg19) VCF-style: chr1-116287536-G-A.
Identifiers: ClinVar variation 1431106 (VCV001431106.7), dbSNP rs1186837357, ClinGen allele CA525429591.
Genomic context (GRCh38, chr1:115,744,915, plus strand): 5'-TCTTGGCATCCACCATCACAAAGCCTATAGCTTTATGTTCAAGGACCTGGGCCACAAGCT[G>A]AAGAAACAAATGGAAAGATGAGTGTGCTAAGGGCAGAAAGATGGTAGAAAATATTACAGG-3'

ClinVar aggregate classification (germline): Uncertain significance (1 of 4 stars; one submission).

Conditions:
Catecholaminergic polymorphic ventricular tachycardia 1. Also called: VENTRICULAR TACHYCARDIA, CATECHOLAMINERGIC POLYMORPHIC, 1, WITH OR WITHOUT ATRIAL DYSFUNCTION AND/OR DILATED CARDIOMYOPATHY; RYR2-Related Catecholaminergic Polymorphic Ventricular Tachycardia; VENTRICULAR TACHYCARDIA, STRESS-INDUCED POLYMORPHIC 1. Identifiers: Orphanet 3286, MedGen C1631597, MONDO:0011484, OMIM 604772.

Allele frequency attached by ClinVar (database versions not stated): gnomAD exomes below 0.00001.
gnomAD v4.1: 1 of 1,608,040 alleles (0.000062%); highest among the groups gnomAD compares: African/African-American, 0.0013%; no homozygotes.

Submission:

Labcorp Genetics (formerly Invitae), Labcorp
Classification: Uncertain significance for Catecholaminergic polymorphic ventricular tachycardia 1. Last evaluated: 2024-10-15. Review status: criteria provided, single submitter. Criteria: Invitae Variant Classification Sherloc (09022015). Collection method: clinical testing. Allele origin: germline.
Comment: This sequence change falls in intron 1 of the CASQ2 gene. It does not directly change the encoded amino acid sequence of the CASQ2 protein. It affects a nucleotide within the consensus splice site. This variant is present in population databases (no rsID available, gnomAD 0.007%). This variant has not been reported in the literature in individuals affected with CASQ2-related conditions. ClinVar contains an entry for this variant (Variation ID: 1431106). Variants that disrupt the consensus splice site are a relatively common cause of aberrant splicing (PMID: 17576681, 9536098). Algorithms developed to predict the effect of sequence changes on RNA splicing suggest that this variant is not likely to affect RNA splicing. In summary, the available evidence is currently insufficient to determine the role of this variant in disease. Therefore, it has been classified as a Variant of Uncertain Significance.

Literature cited by the submitters: PubMed 17576681; PubMed 9536098.